The following is an entry in ClinVar:

ClinVar aggregate classification (germline): Uncertain significance (1 of 4 stars; one submission).

Conditions:
Dilated cardiomyopathy 1G (CMD1G). Identifiers: Orphanet 154, MedGen C1858763, MONDO:0011400, OMIM 604145.
Autosomal recessive limb-girdle muscular dystrophy type 2J (LGMDR10). Also called: MUSCULAR DYSTROPHY, LIMB-GIRDLE, AUTOSOMAL RECESSIVE 10; Limb-girdle muscular dystrophy, type 2J. Identifiers: Orphanet 140922, MedGen C1837342, MONDO:0012127, OMIM 608807.

Submission:

Labcorp Genetics (formerly Invitae), Labcorp
Classification: Uncertain significance for Dilated cardiomyopathy 1G; Autosomal recessive limb-girdle muscular dystrophy type 2J. Last evaluated: 2022-01-03. Review status: criteria provided, single submitter. Criteria: Invitae Variant Classification Sherloc (09022015). Collection method: clinical testing. Allele origin: germline.
Comment: A copy number gain of the genomic region encompassing the full coding sequence of the TTN gene has been identified. The boundaries of this event are unknown as they extend beyond the assayed region for this gene and therefore may encompass additional genes. As the precise location of this event is unknown, it may be in tandem or it may be located elsewhere in the genome. Isolated whole-gene copy number gains of TTN have not been reported in the literature. However, larger copy number events that include this gene have been reported (PMID: 30557390). In summary, the available evidence is currently insufficient to determine the role of this variant in disease. Therefore, it has been classified as a Variant of Uncertain Significance.

Literature cited by the submitters: PubMed 30557390.

NC_000002.11:g.(?_179296824)_(179914668_?)dup

Genes: FKBP7 (FKBP prolyl isomerase 7; minus strand), TTN (titin; minus strand), CCDC141 (coiled-coil domain containing 141; minus strand), PRKRA (protein activator of interferon induced protein kinase EIF2AK2; minus strand), PLEKHA3 (pleckstrin homology domain containing A3; plus strand) and 1 more. Cytogenetic location: 2q31.2.
Variant type: Duplication.
Identifiers: ClinVar variation 2424053 (VCV002424053.5).